The following is an entry in ClinVar:

ClinVar aggregate classification (germline): Uncertain significance. Review status: criteria provided, multiple submitters, no conflicts (2 of 4 stars). 2 submissions from 2 submitters: Uncertain significance (2). Last evaluated 2025-04-07.

Conditions:
Inborn genetic diseases. Identifiers: MedGen C0950123, MeSH D030342.
Hajdu-Cheney syndrome (HJCYS). Also called: SERPENTINE FIBULA-POLYCYSTIC KIDNEY SYNDROME; ACROOSTEOLYSIS WITH OSTEOPOROSIS AND CHANGES IN SKULL AND MANDIBLE; Acroosteolysis dominant type. Identifiers: Orphanet 955, MedGen C0917715, MONDO:0007057, OMIM 102500.

gnomAD v4.1: 14 of 1,614,034 alleles (0.00087%); highest among the groups gnomAD compares: Middle Eastern, 0.017%; no homozygotes.

Submissions (2):

Labcorp Genetics (formerly Invitae), Labcorp
Classification: Uncertain significance for Hajdu-Cheney syndrome. Last evaluated: 2025-04-07. Review status: criteria provided, single submitter. Criteria: Invitae Variant Classification Sherloc (09022015). Collection method: clinical testing. Allele origin: germline.
Comment: This sequence change replaces arginine, which is basic and polar, with histidine, which is basic and polar, at codon 692 of the NOTCH2 protein (p.Arg692His). This variant is present in population databases (rs782026650, gnomAD 0.006%). This variant has not been reported in the literature in individuals affected with NOTCH2-related conditions. ClinVar contains an entry for this variant (Variation ID: 3300488). Invitae Evidence Modeling of protein sequence and biophysical properties (such as structural, functional, and spatial information, amino acid conservation, physicochemical variation, residue mobility, and thermodynamic stability) indicates that this missense variant is not expected to disrupt NOTCH2 protein function with a negative predictive value of 95%. In summary, the available evidence is currently insufficient to determine the role of this variant in disease. Therefore, it has been classified as a Variant of Uncertain Significance.

Ambry Genetics
Classification: Uncertain significance for Inborn genetic diseases. Last evaluated: 2024-04-06. Review status: criteria provided, single submitter. Criteria: Ambry Variant Classification Scheme 2023. Collection method: clinical testing. Allele origin: germline.

NM_024408.4(NOTCH2):c.2075G>A (p.Arg692His)

Gene: NOTCH2 (notch receptor 2; minus strand). Cytogenetic location: 1p12.
Variant type: single nucleotide variant.
Coding change: c.2075G>A on transcript NM_024408.4 (MANE Select); coding-DNA position 2075, G replaced by A.
Protein change: p.Arg692His; replaces arginine 692 with histidine.
Molecular consequence: missense variant.
Genome position (GRCh38, 1-based): chr1:119,955,184, C>T on the plus strand (G>A on the coding strand, the complement: NOTCH2 is on the minus strand). VCF-style: chr1-119955184-C-T. GRCh37 (hg19) VCF-style: chr1-120497807-C-T.
Other names: c.2075G>A, p.Arg692His (NM_001200001.2); short protein forms R692H.
Identifiers: ClinVar variation 3300488 (VCV003300488.2).